The following is an entry in ClinVar:

ClinVar aggregate classification (germline): Uncertain significance (1 of 4 stars; one submission).

Conditions:
Cardiovascular phenotype. Identifiers: MedGen CN230736.

gnomAD v4.1: 3 of 1,607,570 alleles (0.00019%); highest among the groups gnomAD compares: Admixed American, 0.0017%; no homozygotes.

Submission:

Ambry Genetics
Classification: Uncertain significance for Cardiovascular phenotype. Last evaluated: 2025-03-14. Review status: criteria provided, single submitter. Criteria: Ambry Variant Classification Scheme 2023. Collection method: clinical testing. Allele origin: germline.
Comment: The p.V363M variant (also known as c.1087G>A), located in coding exon 8 of the LMF1 gene, results from a G to A substitution at nucleotide position 1087. The valine at codon 363 is replaced by methionine, an amino acid with highly similar properties. This amino acid position is conserved. In addition, this alteration is predicted to be tolerated by in silico analysis. Based on the available evidence, the clinical significance of this variant remains unclear.

NM_022773.4(LMF1):c.1087G>A (p.Val363Met)

Gene: LMF1 (lipase maturation factor 1; minus strand). Cytogenetic location: 16p13.3.
Variant type: single nucleotide variant.
Coding change: c.1087G>A on transcript NM_022773.4 (MANE Select); coding-DNA position 1087, G replaced by A.
Protein change: p.Val363Met; replaces valine 363 with methionine.
Molecular consequence: missense variant. On other transcripts: non-coding transcript variant (1).
Genome position (GRCh38, 1-based): chr16:870,874, C>T on the plus strand (G>A on the coding strand, the complement: LMF1 is on the minus strand). VCF-style: chr16-870874-C-T. GRCh37 (hg19) VCF-style: chr16-920874-C-T.
Other names: c.436G>A, p.Val146Met (NM_001352017.2, NM_001352021.2); c.688G>A, p.Val230Met (NM_001352018.2); c.760G>A, p.Val254Met (NM_001352019.2); c.1087G>A, p.Val363Met (NM_001352020.1); short protein forms V254M, V146M, V230M, V363M.
Identifiers: ClinVar variation 3867476 (VCV003867476.1).
Genomic context (GRCh38, chr16:870,874, plus strand): 5'-CCACGGGCACGCTGAGCCAGGCCAGCAGGACGCCCAGCGAGACGTTGGCTGCACGCCGCA[C>T]CACGGAGCCTGGCAGGGGAGTGACATCTTCCAGGTGGGGCTCCCAGCTGCCCCGTGGCCT-3'
Protein context (NP_073610.2, residues 353-373): ARPEPRFGSV[Val363Met]RRAANVSLGV